The following is an entry in ClinVar:

ClinVar aggregate classification (germline): Uncertain significance (1 of 4 stars; one submission).

Conditions:
Mosaic variegated aneuploidy syndrome 2 (MVA2). Identifiers: Orphanet 1052, MedGen C3279843, MONDO:0013582, OMIM 614114.

Submission:

Labcorp Genetics (formerly Invitae), Labcorp
Classification: Uncertain significance for Mosaic variegated aneuploidy syndrome 2. Last evaluated: 2022-10-30. Review status: criteria provided, single submitter. Criteria: Invitae Variant Classification Sherloc (09022015). Collection method: clinical testing. Allele origin: germline.
Comment: This sequence change replaces glutamic acid, which is acidic and polar, with glutamine, which is neutral and polar, at codon 92 of the CEP57 protein (p.Glu92Gln). This variant is not present in population databases (gnomAD no frequency). This variant has not been reported in the literature in individuals affected with CEP57-related conditions. Advanced modeling of protein sequence and biophysical properties (such as structural, functional, and spatial information, amino acid conservation, physicochemical variation, residue mobility, and thermodynamic stability) performed at Invitae indicates that this missense variant is not expected to disrupt CEP57 protein function. In summary, the available evidence is currently insufficient to determine the role of this variant in disease. Therefore, it has been classified as a Variant of Uncertain Significance.

NM_014679.5(CEP57):c.274G>C (p.Glu92Gln)

Gene: CEP57 (centrosomal protein 57; plus strand). Cytogenetic location: 11q21.
Variant type: single nucleotide variant.
Coding change: c.274G>C on transcript NM_014679.5 (MANE Select); coding-DNA position 274, G replaced by C.
Protein change: p.Glu92Gln; replaces glutamic acid 92 with glutamine.
Molecular consequence: missense variant.
Genome position (GRCh38, 1-based): chr11:95,813,003, G>C. VCF-style: chr11-95813003-G-C. GRCh37 (hg19) VCF-style: chr11-95546167-G-C.
Other names: c.247G>C, p.Glu83Gln (NM_001243776.2); c.274G>C, p.Glu92Gln (NM_001243777.2); c.193G>C, p.Glu65Gln (NM_001363604.2); short protein forms E83Q, E92Q, E65Q.
Identifiers: ClinVar variation 2810676 (VCV002810676.3), dbSNP rs2496220540, ClinGen allele CA382420340.